The following is an entry in ClinVar:

ClinVar aggregate classification (germline): Likely pathogenic (1 of 4 stars; one submission).

Conditions:
Hereditary cancer-predisposing syndrome. Also called: Neoplastic Syndromes, Hereditary; Hereditary Cancer Syndrome; Hereditary neoplastic syndrome; Tumor predisposition. Identifiers: Orphanet 140162, MedGen C0027672, MeSH D009386, MONDO:0015356.

Submission:

Ambry Genetics
Classification: Likely pathogenic for Hereditary cancer-predisposing syndrome. Last evaluated: 2023-06-15. Review status: criteria provided, single submitter. Criteria: Ambry Variant Classification Scheme 2023. Collection method: clinical testing. Allele origin: germline.
Comment: The c.816+1delG intronic variant, located in intron 8 of the SMARCE1 gene, results from a deletion of one nucleotide after coding exon 8 of the SMARCE1 gene. This nucleotide position is highly conserved in available vertebrate species. This variant is considered to be rare based on population cohorts in the Genome Aggregation Database (gnomAD). In silico splice site analysis predicts that this alteration will weaken the native splice donor site and will result in the creation or strengthening of a novel splice donor site; however, direct evidence is insufficient at this time (Ambry internal data). Alterations that disrupt the canonical splice site are expected to cause aberrant splicing, resulting in an abnormal protein or a transcript that is subject to nonsense-mediated mRNA decay. Loss-of-function variants in SMARCE1 are known to cause increased risk of meningiomas; however, such associations with neurodevelopmental disorders are exceedingly rare (Kosho T et al. Am J Med Genet C Semin Med Genet. 2014 Sep;166C(3):262-75; Smith JM et al. Nat Genet. 2013 Mar;45(3):295-8). Based on the supporting evidence, this alteration is likely pathogenic for an increased risk of meningiomas, however, the association of this alteration with an increased risk of Coffin-Siris syndrome is unknown.

NM_003079.5(SMARCE1):c.816+1del

Gene: SMARCE1 (SWI/SNF related BAF chromatin remodeling complex subunit E1; minus strand). Cytogenetic location: 17q21.2.
Variant type: Deletion.
Coding change: c.816+1del on transcript NM_003079.5 (MANE Select); the canonical splice donor site of the intron after coding-DNA position 816, one base deleted (G; older notation c.816+1delG).
Molecular consequence: splice donor variant.
Genome position (GRCh38, 1-based): chr17:40,631,591, C deleted on the plus strand (G on the coding strand, the reverse complement: SMARCE1 is on the minus strand); the first of 3 consecutive C bases (chr17:40,631,591-40,631,593); deleting any one gives the same sequence. VCF-style (leftmost placement, unchanged base first): chr17-40631590-AC-A. GRCh37 (hg19) VCF-style: chr17-38787842-AC-A.
Identifiers: ClinVar variation 2564318 (VCV002564318.3), dbSNP rs2508597255, ClinGen allele CA2580613126.